The following is an entry in ClinVar:

ClinVar aggregate classification (germline): Conflicting classifications of pathogenicity. Review status: criteria provided, conflicting classifications (1 of 4 stars). 3 submissions from 3 submitters: Uncertain significance (1); Likely benign (1). 1 of the submissions does not count toward it. Last evaluated 2026-01-29.

Conditions:
CARD8-related disorder. Also called: CARD8-related condition.

Allele frequency attached by ClinVar (database versions not stated): TOPMed 0.00180; 1000 Genomes Project 30x 0.00047; 1000 Genomes Project 0.00060; ESP Exome Variant Server 0.00146; gnomAD 0.00147 and 0.00149; ExAC 0.00156; gnomAD exomes 0.00169 and 0.00208.
gnomAD v4.1: 3,268 of 1,614,134 alleles (0.2%); highest among the groups gnomAD compares: Admixed American, 0.31%; 6 homozygotes.

Submissions (3):

Labcorp Genetics (formerly Invitae), Labcorp
Classification: Likely benign. Last evaluated: 2026-01-29. Review status: criteria provided, single submitter. Criteria: Invitae Variant Classification Sherloc (09022015). Collection method: clinical testing. Allele origin: germline.

Ambry Genetics
Classification: Uncertain significance. Last evaluated: 2021-10-21. Review status: criteria provided, single submitter. Criteria: Ambry Variant Classification Scheme 2023. Collection method: clinical testing. Allele origin: germline.

PreventionGenetics, part of Exact Sciences
Classification: Likely benign for CARD8-related condition. Last evaluated: 2023-06-07. Review status: no assertion criteria provided. Collection method: clinical testing. Allele origin: germline. Not counted in ClinVar's aggregate classification.
Comment: This variant is classified as likely benign based on ACMG/AMP sequence variant interpretation guidelines (Richards et al. 2015 PMID: 25741868, with internal and published modifications).

NM_001184900.3(CARD8):c.916G>A (p.Ala306Thr)

Gene: CARD8 (caspase recruitment domain family member 8; minus strand). Cytogenetic location: 19q13.33.
Variant type: single nucleotide variant.
Coding change: c.916G>A on transcript NM_001184900.3 (MANE Select); coding-DNA position 916, G replaced by A.
Protein change: p.Ala306Thr; replaces alanine 306 with threonine.
Molecular consequence: missense variant. On other transcripts: non-coding transcript variant (4).
Genome position (GRCh38, 1-based): chr19:48,230,557, C>T on the plus strand (G>A on the coding strand, the complement: CARD8 is on the minus strand). VCF-style: chr19-48230557-C-T. GRCh37 (hg19) VCF-style: chr19-48733814-C-T.
Other names: c.766G>A, p.Ala256Thr (NM_001184901.1, NM_001351783.2, NM_001351788.2 and 2 more transcripts); c.916G>A, p.Ala306Thr (NM_001184902.2, NM_001184903.1, NM_001351782.2); c.601G>A, p.Ala201Thr (NM_001351784.2, NM_001351787.2, NM_001351791.2 and 1 more transcripts); c.580G>A, p.Ala194Thr (NM_001351786.2); c.673G>A, p.Ala225Thr (NM_001351790.2); c.598G>A, p.Ala200Thr (NM_001365950.1); c.916G>A (NM_001184900.1); short protein forms A201T, A256T, A306T, A225T, A194T, A200T.
Identifiers: ClinVar variation 771220 (VCV000771220.14), dbSNP rs138051424, ClinGen allele CA9547873.
Genomic context (GRCh38, chr19:48,230,557, plus strand): 5'-GGGGGTGATAATAGATCAATGTGTTGGAAGTGATGGGGATGGAGAGGCGAGTCCCACTGG[C>T]GATCCGCAGCAGGATGCCCATCAGAGAGAAGCTGGGGCTTTCCAGGACAGCATAGAAAGG-3'
Protein context (NP_001171829.1, residues 296-316): FSLMGILLRI[Ala306Thr]SGTRLSIPIT